The following is an entry in ClinVar:

NM_001127222.2(CACNA1A):c.2892C>T (p.Pro964=)

Gene: CACNA1A (calcium voltage-gated channel subunit alpha1 A; minus strand). Cytogenetic location: 19p13.13.
Variant type: single nucleotide variant.
Coding change: c.2892C>T on transcript NM_001127222.2 (MANE Select); coding-DNA position 2892, C replaced by T.
Protein change: p.Pro964=; no amino-acid change (proline 964 retained).
Molecular consequence: synonymous variant.
Genome position (GRCh38, 1-based): chr19:13,298,741, G>A on the plus strand (C>T on the coding strand, the complement: CACNA1A is on the minus strand). VCF-style: chr19-13298741-G-A. GRCh37 (hg19) VCF-style: chr19-13409555-G-A.
Other names: c.2892C>T (NM_001127222.1); c.2904C>T, p.Pro968= (NM_000068.4, NM_023035.3); c.2895C>T, p.Pro965= (NM_001127221.2, NM_001174080.2).
Identifiers: ClinVar variation 1533095 (VCV001533095.10), dbSNP rs771351347, ClinGen allele CA505784783.

ClinVar aggregate classification (germline): Likely benign. Review status: criteria provided, single submitter (1 of 4 stars). 2 submissions from 2 submitters: Likely benign (1). 1 of the submissions does not count toward it. Last evaluated 2026-01-17.

Conditions:
CACNA1A-related disorder. Also called: CACNA1A-related condition.
Developmental and epileptic encephalopathy, 42 (DEE42A). Also called: Epileptic encephalopathy, early infantile, 42; DEVELOPMENTAL AND EPILEPTIC ENCEPHALOPATHY 42A; EPILEPTIC ENCEPHALOPATHY, EARLY INFANTILE, 42A. Identifiers: MedGen C4310716, MONDO:0014917, OMIM 617106.
Episodic ataxia type 2 (EA2). Also called: ATAXIA, EPISODIC, WITH NYSTAGMUS; ATAXIA, FAMILIAL PAROXYSMAL; CEREBELLAR ATAXIA, PAROXYSMAL, ACETAZOLAMIDE-RESPONSIVE; CEREBELLOPATHY, HEREDITARY PAROXYSMAL; EPISODIC ATAXIA, NYSTAGMUS-ASSOCIATED; ACETAZOLAMIDE-RESPONSIVE HEREDITARY PAROXYSMAL CEREBELLAR ATAXIA. Identifiers: Orphanet 97, MedGen C1720416, MONDO:0007163, OMIM 108500.

Allele frequency attached by ClinVar (database versions not stated): TOPMed 0.00005.
gnomAD v4.1: 18 of 1,503,414 alleles (0.0012%); highest among the groups gnomAD compares: African/African-American, 0.015%; no homozygotes.

Submissions (2):

Labcorp Genetics (formerly Invitae), Labcorp
Classification: Likely benign for Developmental and epileptic encephalopathy, 42; Episodic ataxia type 2. Last evaluated: 2026-01-17. Review status: criteria provided, single submitter. Criteria: Invitae Variant Classification Sherloc (09022015). Collection method: clinical testing. Allele origin: germline.

PreventionGenetics, part of Exact Sciences
Classification: Likely benign for CACNA1A-related condition. Last evaluated: 2019-08-20. Review status: no assertion criteria provided. Collection method: clinical testing. Allele origin: germline. Not counted in ClinVar's aggregate classification.
Comment: This variant is classified as likely benign based on ACMG/AMP sequence variant interpretation guidelines (Richards et al. 2015 PMID: 25741868, with internal and published modifications).